The following is an entry in ClinVar:

ClinVar aggregate classification (germline): Pathogenic/Likely pathogenic. Review status: criteria provided, multiple submitters, no conflicts (2 of 4 stars). 2 submissions from 2 submitters: Pathogenic (1); Likely pathogenic (1). Last evaluated 2024-07-16.

Conditions:
Carnitine palmitoyltransferase II deficiency. Also called: Carnitine Palmitoyltransferase 2 Deficiency. Identifiers: Orphanet 157, MedGen C0342790, MONDO:0015515.

Submissions (2):

Labcorp Genetics (formerly Invitae), Labcorp
Classification: Pathogenic for Carnitine palmitoyltransferase II deficiency. Last evaluated: 2024-07-16. Review status: criteria provided, single submitter. Criteria: Invitae Variant Classification Sherloc (09022015). Collection method: clinical testing. Allele origin: germline.
Comment: This sequence change creates a premature translational stop signal (p.Ser408Tyrfs*13) in the CPT2 gene. It is expected to result in an absent or disrupted protein product. Loss-of-function variants in CPT2 are known to be pathogenic (PMID: 16781677, 16996287). This variant is present in population databases (rs752373512, gnomAD 0.0009%). This premature translational stop signal has been observed in individual(s) with carnitine palmitoyltransferase II deficiency (PMID: 15754283). In at least one individual the data is consistent with being in trans (on the opposite chromosome) from a pathogenic variant. ClinVar contains an entry for this variant (Variation ID: 1172859). For these reasons, this variant has been classified as Pathogenic.

Women's Health and Genetics/Laboratory Corporation of America, LabCorp
Classification: Likely pathogenic for Carnitine palmitoyltransferase II deficiency. Last evaluated: 2022-12-12. Review status: criteria provided, single submitter. Criteria: LabCorp Variant Classification Summary - May 2015. Collection method: clinical testing. Allele origin: germline.
Comment: Variant summary: CPT2 c.1223_1224delCT (p.Ser408TyrfsX13) results in a premature termination codon, predicted to cause a truncation of the encoded protein or absence of the protein due to nonsense mediated decay, which are commonly known mechanisms for disease. Truncations downstream of this position have been classified as pathogenic by our laboratory. The variant allele was found at a frequency of 4e-06 in 251376 control chromosomes (gnomAD). c.1223_1224delCT has been reported in the literature in a compound heterozygous individual affected with Carnitine Palmitoyltransferase II Deficiency (Kaneoka_2005). The authors of this study also reported experimental evidence evaluating patient derived induced pluripotent stem cells (hiPSCs) and demonstrated that the patient derived cells accumulated more palmitoylcarnitine than controls (Yasuno_2014). No clinical diagnostic laboratories have submitted clinical-significance assessments for this variant to ClinVar after 2014. Based on the evidence outlined above, the variant was classified as likely pathogenic.

Literature cited by the submitters: PubMed 16781677 (cited by Labcorp Genetics (formerly Invitae), Labcorp); PubMed 16996287 (cited by Labcorp Genetics (formerly Invitae), Labcorp); PubMed 15754283 (cited by Labcorp Genetics (formerly Invitae), Labcorp and Women's Health and Genetics/Laboratory Corporation of America, LabCorp); PubMed 24780397 (cited by Women's Health and Genetics/Laboratory Corporation of America, LabCorp); PubMed 18363739 (cited by Women's Health and Genetics/Laboratory Corporation of America, LabCorp).

NM_000098.3(CPT2):c.1223_1224del (p.Ser408fs)

Gene: CPT2 (carnitine palmitoyltransferase 2; plus strand). Cytogenetic location: 1p32.3.
Variant type: Microsatellite.
Coding change: c.1223_1224del on transcript NM_000098.3 (MANE Select); coding-DNA positions 1223 to 1224, 2 bases deleted (CT; older notation c.1223_1224delCT).
Protein change: p.Ser408fs; shifts the reading frame from serine 408.
Molecular consequence: frameshift variant.
Genome position (GRCh38, 1-based): chr1:53,210,897-53,210,898, CT deleted; deleting any 2 consecutive bases within chr1:53,210,895-53,210,898 gives the same sequence; the c. name uses the placement nearest the transcript's 3' end. VCF-style (leftmost placement, unchanged base first): chr1-53210894-ACT-A. GRCh37 (hg19) VCF-style: chr1-53676566-ACT-A.
Other names: c.1223_1224del, p.Ser408fs (NM_001330589.2); short protein forms S408fs.
Identifiers: ClinVar variation 1172859 (VCV001172859.4), dbSNP rs752373512, ClinGen allele CA859145.